The following is an entry in ClinVar:

ClinVar aggregate classification (germline): Uncertain significance (1 of 4 stars; one submission).

Conditions:
Hereditary nonpolyposis colorectal neoplasms. Identifiers: MedGen C0009405, MeSH D003123.

Submission:

Labcorp Genetics (formerly Invitae), Labcorp
Classification: Uncertain significance for Hereditary nonpolyposis colorectal neoplasms. Last evaluated: 2021-10-05. Review status: criteria provided, single submitter. Criteria: Invitae Variant Classification Sherloc (09022015). Collection method: clinical testing. Allele origin: germline.
Comment: This variant results in a copy number gain of the genomic region encompassing exon(s) 2-10 of the MSH6 gene. This region includes the termination codon of the gene. This copy number gain extends beyond the assayed region for this gene and therefore may encompass additional genes. As the precise location of this event is unknown, it may be in tandem or it may be located elsewhere in the genome. This variant has not been reported in the literature in individuals affected with MSH6-related conditions. Experimental studies and prediction algorithms are not available or were not evaluated, and the functional significance of this variant is currently unknown. In summary, the available evidence is currently insufficient to determine the role of this variant in disease. Therefore, it has been classified as a Variant of Uncertain Significance.

NC_000002.11:g.(?_48018056)_(48034014_?)dup

Gene: MSH6 (mutS homolog 6; plus strand). Cytogenetic location: 2p16.3.
Variant type: Duplication.
Identifiers: ClinVar variation 1431012 (VCV001431012.4).